The following is an entry in ClinVar:

NM_004958.4(MTOR):c.2566G>A (p.Glu856Lys)

Gene: MTOR (mechanistic target of rapamycin kinase; minus strand). Cytogenetic location: 1p36.22.
Variant type: single nucleotide variant.
Coding change: c.2566G>A on transcript NM_004958.4 (MANE Select); coding-DNA position 2566, G replaced by A.
Protein change: p.Glu856Lys; replaces glutamic acid 856 with lysine.
Molecular consequence: missense variant.
Genome position (GRCh38, 1-based): chr1:11,231,383, C>T on the plus strand (G>A on the coding strand, the complement: MTOR is on the minus strand). VCF-style: chr1-11231383-C-T. GRCh37 (hg19) VCF-style: chr1-11291440-C-T.
Other names: c.2566G>A, p.Glu856Lys (NM_001386500.1); c.1318G>A, p.Glu440Lys (NM_001386501.1); short protein forms E440K, E856K.
Identifiers: ClinVar variation 2053388 (VCV002053388.4), dbSNP rs1421760998, ClinGen allele CA338382718.
Genomic context (GRCh38, chr1:11,231,383, plus strand): 5'-GCTCAGTCTTCAGAAAATTCAGTAGCACCTCAAGCAAAGTAGGGTACTTCCTGTAGGGCT[C>T]TACTACATAGCCAGTGCTGGCCACCAACTGTCCCAGGGTCCACAGAGCCACCTGGATAGG-3'
Protein context (NP_004949.1, residues 846-866): QLVASTGYVV[Glu856Lys]PYRKYPTLLE

ClinVar aggregate classification (germline): Uncertain significance (1 of 4 stars; one submission).

Allele frequency attached by ClinVar (database versions not stated): gnomAD exomes below 0.00001.
gnomAD v4.1: 1 of 1,614,168 alleles (0.000062%); highest among the groups gnomAD compares: Admixed American, 0.0017%; no homozygotes.

Submission:

Labcorp Genetics (formerly Invitae), Labcorp
Classification: Uncertain significance. Last evaluated: 2023-08-10. Review status: criteria provided, single submitter. Criteria: Invitae Variant Classification Sherloc (09022015). Collection method: clinical testing. Allele origin: germline.
Comment: This variant has not been reported in the literature in individuals affected with MTOR-related conditions. This variant is present in population databases (no rsID available, gnomAD 0.003%). This sequence change replaces glutamic acid, which is acidic and polar, with lysine, which is basic and polar, at codon 856 of the MTOR protein (p.Glu856Lys). ClinVar contains an entry for this variant (Variation ID: 2053388). In summary, the available evidence is currently insufficient to determine the role of this variant in disease. Therefore, it has been classified as a Variant of Uncertain Significance. Advanced modeling of protein sequence and biophysical properties (such as structural, functional, and spatial information, amino acid conservation, physicochemical variation, residue mobility, and thermodynamic stability) performed at Invitae indicates that this missense variant is not expected to disrupt MTOR protein function.